The following is an entry in ClinVar:

NM_033004.4(NLRP1):c.1476del (p.Arg492fs)

Gene: NLRP1 (NLR family pyrin domain containing 1; minus strand). Cytogenetic location: 17p13.2.
Variant type: Deletion.
Coding change: c.1476del on transcript NM_033004.4 (MANE Select); coding-DNA position 1476, one base deleted (A; older notation c.1476delA).
Protein change: p.Arg492fs; shifts the reading frame from arginine 492.
Molecular consequence: frameshift variant.
Genome position (GRCh38, 1-based): chr17:5,559,220, T deleted on the plus strand (A on the coding strand, the reverse complement: NLRP1 is on the minus strand). VCF-style (leftmost placement, unchanged base first): chr17-5559219-AT-A. GRCh37 (hg19) VCF-style: chr17-5462539-AT-A.
Other names: c.1476del, p.Arg492fs (NM_001033053.3, NM_014922.5, NM_033006.4 and 1 more transcripts); short protein forms R492fs.
Identifiers: ClinVar variation 4703539 (VCV004703539.2).
Genomic context (GRCh38, chr17:5,559,219, plus strand): 5'-GCTCTTTGTTTGATTTGACCAACCTAAAGGCTCTAATTGCTTGCCTTTCATCTGTGAAAT[AT>A]CTGTAGAAATATTCCTTCCTGCTGGACTCAGAGAACCCCAGGACCTCTACCCAACGTGCC-3'

ClinVar aggregate classification (germline): Uncertain significance. Review status: criteria provided, multiple submitters, no conflicts (2 of 4 stars). 2 submissions from 2 submitters: Uncertain significance (2). Last evaluated 2025-12-25.

Submissions (2):

Labcorp Genetics (formerly Invitae), Labcorp
Classification: Uncertain significance. Last evaluated: 2025-12-25. Review status: criteria provided, single submitter. Criteria: Invitae Variant Classification Sherloc (09022015). Collection method: clinical testing. Allele origin: germline.
Comment: This sequence change creates a premature translational stop signal (p.Arg492Serfs*39) in the NLRP1 gene. It is expected to result in an absent or disrupted protein product. However, the current clinical and genetic evidence is not sufficient to establish whether loss-of-function variants in NLRP1 cause disease. This variant is not present in population databases (gnomAD no frequency). This variant has not been reported in the literature in individuals affected with NLRP1-related conditions. In summary, the available evidence is currently insufficient to determine the role of this variant in disease. Therefore, it has been classified as a Variant of Uncertain Significance.

Blueprint Genetics
Classification: Uncertain significance. Last evaluated: 2020-03-24. Review status: criteria provided, single submitter. Criteria: ACMG Guidelines, 2015. Collection method: clinical testing. Allele origin: germline.